The following is an entry in ClinVar:

ClinVar aggregate classification (germline): Conflicting classifications of pathogenicity. Review status: criteria provided, conflicting classifications (1 of 4 stars). 5 submissions from 5 submitters: Uncertain significance (1); Benign (1); Likely benign (3). Last evaluated 2026-01-28.

Conditions:
Donnai-Barrow syndrome. Also called: DBS/FOAR SYNDROME; FACIOOCULOACOUSTICORENAL SYNDROME. Identifiers: Orphanet 2143, MedGen C1857277, MONDO:0009104, OMIM 222448.

Allele frequency attached by ClinVar (database versions not stated): ESP Exome Variant Server 0.00008; gnomAD 0.00009 and 0.00026; TOPMed 0.00012; gnomAD exomes 0.00049 and 0.00107; ExAC 0.00118; 1000 Genomes Project 30x 0.00172; 1000 Genomes Project 0.00200.

Submissions (5):

Labcorp Genetics (formerly Invitae), Labcorp
Classification: Benign. Last evaluated: 2026-01-28. Review status: criteria provided, single submitter. Criteria: Invitae Variant Classification Sherloc (09022015). Collection method: clinical testing. Allele origin: germline.

CeGaT Center for Human Genetics Tuebingen
Classification: Likely benign. Last evaluated: 2023-06-01. Review status: criteria provided, single submitter. Criteria: CeGaT Center For Human Genetics Tuebingen Variant Classification Criteria Version 2. Collection method: clinical testing. Allele origin: germline. Affected: yes. Observed: 1 variant allele.
Comment: LRP2: BP4, BS2

Genome-Nilou Lab
Classification: Likely benign for Donnai-Barrow syndrome. Last evaluated: 2021-07-15. Review status: criteria provided, single submitter. Criteria: ACMG Guidelines, 2015. Collection method: clinical testing. Allele origin: germline. Affected: no.

Illumina Laboratory Services, Illumina
Classification: Likely benign for Donnai-Barrow syndrome. Last evaluated: 2018-01-12. Review status: criteria provided, single submitter. Criteria: ICSL Variant Classification Criteria 13 December 2019. Collection method: clinical testing. Allele origin: germline.
Comment: This variant was observed in the ICSL laboratory as part of a predisposition screen in an ostensibly healthy population. It had not been previously curated by ICSL or reported in the Human Gene Mutation Database (HGMD: prior to June 1st, 2018), and was therefore a candidate for classification through an automated scoring system. Utilizing variant allele frequency, disease prevalence and penetrance estimates, and inheritance mode, an automated score was calculated to assess if this variant is too frequent to cause the disease. Based on the score and internal cut-off values, a variant classified as likely benign is not then subjected to further curation. The score for this variant resulted in a classification of likely benign for this disease.

Genetic Services Laboratory, University of Chicago
Classification: Uncertain significance. Last evaluated: 2014-04-10. Review status: criteria provided, single submitter. Criteria: ACMG Guidelines, 2007. Collection method: clinical testing. Allele origin: germline.

NM_004525.3(LRP2):c.12296-4G>A

Gene: LRP2 (LDL receptor related protein 2; minus strand). Cytogenetic location: 2q31.1.
Variant type: single nucleotide variant.
Coding change: c.12296-4G>A on transcript NM_004525.3 (MANE Select); 4 bases into the intron before coding-DNA position 12296, G replaced by A.
Molecular consequence: intron variant.
Genome position (GRCh38, 1-based): chr2:169,152,968, C>T on the plus strand (G>A on the coding strand, the complement: LRP2 is on the minus strand). VCF-style: chr2-169152968-C-T. GRCh37 (hg19) VCF-style: chr2-170009478-C-T.
Identifiers: ClinVar variation 211389 (VCV000211389.42), dbSNP rs375166826, ClinGen allele CA207646.